The following is an entry in ClinVar:

ClinVar aggregate classification (germline): Uncertain significance (1 of 4 stars; one submission).

Conditions:
Fanconi anemia (FA). Also called: Fanconi's anemia. Identifiers: Orphanet 84, MedGen C0015625, MeSH D005199, MONDO:0019391.

Allele frequency attached by ClinVar (database versions not stated): gnomAD exomes 0.00001.
gnomAD v4.1: 8 of 1,207,568 alleles (0.00066%); highest among the groups gnomAD compares: Non-Finnish European, 0.0009%; no homozygotes.

Submission:

Labcorp Genetics (formerly Invitae), Labcorp
Classification: Uncertain significance for Fanconi anemia. Last evaluated: 2022-09-02. Review status: criteria provided, single submitter. Criteria: Invitae Variant Classification Sherloc (09022015). Collection method: clinical testing. Allele origin: germline.
Comment: This variant is present in population databases (no rsID available, gnomAD 0.001%). This sequence change replaces methionine, which is neutral and non-polar, with valine, which is neutral and non-polar, at codon 759 of the FANCB protein (p.Met759Val). This variant has not been reported in the literature in individuals affected with FANCB-related conditions. In summary, the available evidence is currently insufficient to determine the role of this variant in disease. Therefore, it has been classified as a Variant of Uncertain Significance. Algorithms developed to predict the effect of missense changes on protein structure and function output the following: SIFT: "Deleterious"; PolyPhen-2: "Benign"; Align-GVGD: "Class C0". The valine amino acid residue is found in multiple mammalian species, which suggests that this missense change does not adversely affect protein function.

NM_001018113.3(FANCB):c.2275A>G (p.Met759Val)

Gene: FANCB (FA complementation group B; minus strand). Cytogenetic location: Xp22.2.
Variant type: single nucleotide variant.
Coding change: c.2275A>G on transcript NM_001018113.3 (MANE Select); coding-DNA position 2275, A replaced by G.
Protein change: p.Met759Val; replaces methionine 759 with valine.
Molecular consequence: missense variant.
Genome position (GRCh38, 1-based): chrX:14,843,872, T>C on the plus strand (A>G on the coding strand, the complement: FANCB is on the minus strand). VCF-style: chrX-14843872-T-C. GRCh37 (hg19) VCF-style: chrX-14861994-T-C.
Other names: c.2275A>G, p.Met759Val (NM_001324162.2, NM_001410764.1, NM_152633.4); short protein forms M759V.
Identifiers: ClinVar variation 2041523 (VCV002041523.4), dbSNP rs1187327084, ClinGen allele CA412437772.